The following is an entry in ClinVar:

NM_005228.5(EGFR):c.1375G>C (p.Gly459Arg)

Gene: EGFR (epidermal growth factor receptor; plus strand). Cytogenetic location: 7p11.2.
Variant type: single nucleotide variant.
Coding change: c.1375G>C on transcript NM_005228.5 (MANE Select); coding-DNA position 1375, G replaced by C.
Protein change: p.Gly459Arg; replaces glycine 459 with arginine.
Molecular consequence: missense variant.
Genome position (GRCh38, 1-based): chr7:55,160,215, G>C. VCF-style: chr7-55160215-G-C. GRCh37 (hg19) VCF-style: chr7-55227908-G-C.
Other names: c.1240G>C, p.Gly414Arg (NM_001346897.2, NM_001346899.2); c.1375G>C, p.Gly459Arg (NM_001346898.2, NM_201282.2, NM_201284.2); c.1216G>C, p.Gly406Arg (NM_001346900.2); c.574G>C, p.Gly192Arg (NM_001346941.2); short protein forms G414R, G192R, G406R, G459R.
Identifiers: ClinVar variation 4824471 (VCV004824471.1).
Genomic context (GRCh38, chr7:55,160,215, plus strand): 5'-GCAGTCGTCAGCCTGAACATAACATCCTTGGGATTACGCTCCCTCAAGGAGATAAGTGAT[G>C]GAGATGTGATAATTTCAGGAAACAAAAATTTGTGCTATGCAAATACAATAAACTGGAAAA-3'
Protein context (NP_005219.2, residues 449-469): GLRSLKEISD[Gly459Arg]DVIISGNKNL

ClinVar aggregate classification (germline): Uncertain significance (1 of 4 stars; one submission).

Conditions:
Hereditary cancer-predisposing syndrome. Also called: Neoplastic Syndromes, Hereditary; Hereditary neoplastic syndrome; Tumor predisposition; Hereditary Cancer Syndrome. Identifiers: Orphanet 140162, MedGen C0027672, MeSH D009386, MONDO:0015356.

gnomAD v4.1: 1 of 1,614,154 alleles (0.000062%); highest among the groups gnomAD compares: Non-Finnish European, 0.000085%; no homozygotes.

Submission:

Ambry Genetics
Classification: Uncertain significance for Hereditary cancer-predisposing syndrome. Last evaluated: 2026-02-03. Review status: criteria provided, single submitter. Criteria: Ambry Variant Classification Scheme 2023. Collection method: clinical testing. Allele origin: germline.
Comment: The p.G459R variant (also known as c.1375G>C), located in coding exon 12 of the EGFR gene, results from a G to C substitution at nucleotide position 1375. The glycine at codon 459 is replaced by arginine, an amino acid with dissimilar properties. This amino acid position is highly conserved in available vertebrate species. In addition, this alteration is predicted to be deleterious by in silico analysis. Based on the available evidence, the clinical significance of this variant remains unclear.